The following is an entry in ClinVar:

NM_013372.7(GREM1):c.254A>T (p.Glu85Val)

Gene: GREM1 (gremlin 1, DAN family BMP antagonist; plus strand). Cytogenetic location: 15q13.3.
Variant type: single nucleotide variant.
Coding change: c.254A>T on transcript NM_013372.7 (MANE Select); coding-DNA position 254, A replaced by T.
Protein change: p.Glu85Val; replaces glutamic acid 85 with valine.
Molecular consequence: missense variant.
Genome position (GRCh38, 1-based): chr15:32,730,944, A>T. VCF-style: chr15-32730944-A-T. GRCh37 (hg19) VCF-style: chr15-33023145-A-T.
Other names: c.44A>T, p.Glu15Val (NM_001191322.2); c.131A>T, p.Glu44Val (NM_001191323.2); c.254A>T, p.Glu85Val (NM_001368719.1); short protein forms E85V, E44V, E15V.
Identifiers: ClinVar variation 3522525 (VCV003522525.1).

ClinVar aggregate classification (germline): Uncertain significance (1 of 4 stars; one submission).

Conditions:
Hereditary cancer-predisposing syndrome. Also called: Hereditary Cancer Syndrome; Hereditary neoplastic syndrome; Tumor predisposition; Neoplastic Syndromes, Hereditary. Identifiers: Orphanet 140162, MedGen C0027672, MeSH D009386, MONDO:0015356.

gnomAD v4.1: 1 of 1,614,076 alleles (0.000062%); highest among the groups gnomAD compares: Non-Finnish European, 0.000085%; no homozygotes.

Submission:

Ambry Genetics
Classification: Uncertain significance for Hereditary cancer-predisposing syndrome. Last evaluated: 2024-12-08. Review status: criteria provided, single submitter. Criteria: Ambry Variant Classification Scheme 2023. Collection method: clinical testing. Allele origin: germline.
Comment: The p.E85V variant (also known as c.254A>T), located in coding exon 1 of the GREM1 gene, results from an A to T substitution at nucleotide position 254. The glutamic acid at codon 85 is replaced by valine, an amino acid with dissimilar properties. This amino acid position is conserved. In addition, this alteration is predicted to be deleterious by in silico analysis. Based on the available evidence, the clinical significance of this variant remains unclear.